The following is an entry in ClinVar:

ClinVar aggregate classification (germline): Benign. Review status: criteria provided, single submitter (1 of 4 stars). 2 submissions from 2 submitters: Benign (1). 1 of the submissions does not count toward it. Last evaluated 2025-09-22.

Conditions:
PRKACG-related disorder. Also called: PRKACG-related condition.

Allele frequency attached by ClinVar (database versions not stated): 1000 Genomes Project 0.00679; TOPMed 0.00021; gnomAD 0.00121; 1000 Genomes Project 30x 0.00703.
gnomAD v4.1: 2,872 of 1,613,856 alleles (0.18%); highest among the groups gnomAD compares: South Asian, 3%; 56 homozygotes.

Submissions (2):

Mayo Clinic Laboratories, Mayo Clinic
Classification: Benign. Last evaluated: 2025-09-22. Review status: criteria provided, single submitter. Criteria: ACMG Guidelines, 2015. Collection method: clinical testing. Allele origin: germline. Observed: 1 variant allele.
Comment: BS1, BS2, BP4, BP7

PreventionGenetics, part of Exact Sciences
Classification: Benign for PRKACG-related condition. Last evaluated: 2019-07-22. Review status: no assertion criteria provided. Collection method: clinical testing. Allele origin: germline. Not counted in ClinVar's aggregate classification.
Comment: This variant is classified as benign based on ACMG/AMP sequence variant interpretation guidelines (Richards et al. 2015 PMID: 25741868, with internal and published modifications).

NM_002732.4(PRKACG):c.297C>T (p.Ile99=)

Gene: PRKACG (protein kinase cAMP-activated catalytic subunit gamma; minus strand). Cytogenetic location: 9q21.11.
Variant type: single nucleotide variant.
Coding change: c.297C>T on transcript NM_002732.4 (MANE Select); coding-DNA position 297, C replaced by T.
Protein change: p.Ile99=; no amino-acid change (isoleucine 99 retained).
Molecular consequence: synonymous variant.
Genome position (GRCh38, 1-based): chr9:69,013,796, G>A on the plus strand (C>T on the coding strand, the complement: PRKACG is on the minus strand). VCF-style: chr9-69013796-G-A. GRCh37 (hg19) VCF-style: chr9-71628712-G-A.
Other names: p.Ile99=.
Identifiers: ClinVar variation 3044861 (VCV003044861.3), dbSNP rs374148103, ClinGen allele CA5072541.